The following is an entry in ClinVar:

ClinVar aggregate classification (germline): Likely pathogenic (1 of 4 stars; one submission).

Conditions:
ALG6-congenital disorder of glycosylation 1C (CDG1C). Also called: Congenital disorder of glycosylation, type Ic; CDG Ic; CARBOHYDRATE-DEFICIENT GLYCOPROTEIN SYNDROME, TYPE I, WITH DEFICIENT GLYCOSYLATION OF DOLICHOL-LINKED OLIGOSACCHARIDE; CARBOHYDRATE-DEFICIENT GLYCOPROTEIN SYNDROME, TYPE V; Congenital disorder of glycosylation type 1C. Identifiers: Orphanet 79320, MedGen C2930997, MONDO:0011291, OMIM 603147.

Submission:

Natera, Inc.
Classification: Likely pathogenic for Congenital disorder of glycosylation type 1c. Last evaluated: 2025-09-08. Review status: criteria provided, single submitter. Criteria: Natera Variant Classification Schema (03/2026). Collection method: clinical testing. Allele origin: germline.
Comment: The c.83-1G>C variant in ALG6 is a canonical splice acceptor site variant predicted to affect pre-mRNA splicing, which may result in an abnormal transcript and altered protein product. This variant is expected to result in nonsense mediated decay, truncation, or a dysfunctional protein product. This variant is rare in the general population with a frequency below the threshold expected for the associated phenotype(s). Given the available evidence, this variant is classified as Likely Pathogenic.

NM_013339.4(ALG6):c.83-1G>C

Gene: ALG6 (ALG6 alpha-1,3-glucosyltransferase; plus strand). Cytogenetic location: 1p31.3.
Variant type: single nucleotide variant.
Coding change: c.83-1G>C on transcript NM_013339.4 (MANE Select); the canonical splice acceptor site of the intron before coding-DNA position 83, G replaced by C.
Molecular consequence: splice acceptor variant.
Genome position (GRCh38, 1-based): chr1:63,396,512, G>C. VCF-style: chr1-63396512-G-C. GRCh37 (hg19) VCF-style: chr1-63862183-G-C.
Identifiers: ClinVar variation 4815580 (VCV004815580.1).